The following is an entry in ClinVar:

NM_032790.4(ORAI1):c.104G>A (p.Gly35Glu)

Genes: ORAI1 (ORAI calcium release-activated calcium modulator 1; plus strand), LOC130008987 (ATAC-STARR-seq lymphoblastoid silent region 4981; plus strand). Cytogenetic location: 12q24.31.
Variant type: single nucleotide variant.
Coding change: c.104G>A on transcript NM_032790.4 (MANE Select); coding-DNA position 104, G replaced by A.
Protein change: p.Gly35Glu; replaces glycine 35 with glutamic acid.
Molecular consequence: missense variant. On other transcripts: non-coding transcript variant (1).
Genome position (GRCh38, 1-based): chr12:121,626,846, G>A. VCF-style: chr12-121626846-G-A. GRCh37 (hg19) VCF-style: chr12-122064751-G-A.
Other names: short protein forms G35E.
Identifiers: ClinVar variation 2922477 (VCV002922477.12), dbSNP rs782528899, ClinGen allele CA6837409.

ClinVar aggregate classification (germline): Uncertain significance. Review status: criteria provided, multiple submitters, no conflicts (2 of 4 stars). 3 submissions from 3 submitters: Uncertain significance (3). Last evaluated 2025-07-01.

Conditions:
Combined immunodeficiency due to ORAI1 deficiency. Also called: IMMUNODEFICIENCY 9. Identifiers: Orphanet 169090, Orphanet 317428, MedGen C2748568, MONDO:0013007, OMIM 612782.
Myopathy, tubular aggregate, 2 (TAM2). Identifiers: MedGen C4014557, MONDO:0014383, OMIM 615883.

Allele frequency attached by ClinVar (database versions not stated): gnomAD 0.00002; TOPMed 0.00002; ExAC 0.00006.

Submissions (3):

CeGaT Center for Human Genetics Tuebingen
Classification: Uncertain significance. Last evaluated: 2025-07-01. Review status: criteria provided, single submitter. Criteria: CeGaT Center For Human Genetics Tuebingen Variant Classification Criteria Version 2. Collection method: clinical testing. Allele origin: germline. Affected: yes. Observed: 1 variant allele.
Comment: ORAI1: PM2

Revvity Omics, Revvity
Classification: Uncertain significance. Last evaluated: 2024-11-18. Review status: criteria provided, single submitter. Criteria: ACMG Guidelines, 2015. Collection method: clinical testing. Allele origin: germline.

Labcorp Genetics (formerly Invitae), Labcorp
Classification: Uncertain significance for Myopathy, tubular aggregate, 2; Combined immunodeficiency due to ORAI1 deficiency. Last evaluated: 2024-10-17. Review status: criteria provided, single submitter. Criteria: Invitae Variant Classification Sherloc (09022015). Collection method: clinical testing. Allele origin: germline.
Comment: This sequence change replaces glycine, which is neutral and non-polar, with glutamic acid, which is acidic and polar, at codon 35 of the ORAI1 protein (p.Gly35Glu). The frequency data for this variant in the population databases is considered unreliable, as metrics indicate poor data quality at this position in the gnomAD database. This variant has not been reported in the literature in individuals affected with ORAI1-related conditions. Experimental studies and prediction algorithms are not available or were not evaluated, and the functional significance of this variant is currently unknown. In summary, the available evidence is currently insufficient to determine the role of this variant in disease. Therefore, it has been classified as a Variant of Uncertain Significance.